The following is an entry in ClinVar:

ClinVar aggregate classification (germline): Likely benign. Review status: criteria provided, multiple submitters, no conflicts (2 of 4 stars). 4 submissions from 4 submitters: Likely benign (3). 1 of the submissions does not count toward it. Last evaluated 2026-01-28.

Conditions:
GRIN2D-related disorder. Also called: GRIN2D-related condition.

Allele frequency attached by ClinVar (database versions not stated): 1000 Genomes Project 30x 0.00016; 1000 Genomes Project 0.00020; ESP Exome Variant Server 0.00046; TOPMed 0.00055; gnomAD 0.00063 and 0.00064; gnomAD exomes 0.00064; ExAC 0.00068.
gnomAD v4.1: 1,463 of 1,612,262 alleles (0.091%); highest among the groups gnomAD compares: Non-Finnish European, 0.11%; 1 homozygote.

Submissions (4):

Labcorp Genetics (formerly Invitae), Labcorp
Classification: Likely benign. Last evaluated: 2026-01-28. Review status: criteria provided, single submitter. Criteria: Invitae Variant Classification Sherloc (09022015). Collection method: clinical testing. Allele origin: germline.

CeGaT Center for Human Genetics Tuebingen
Classification: Likely benign. Last evaluated: 2025-06-01. Review status: criteria provided, single submitter. Criteria: CeGaT Center For Human Genetics Tuebingen Variant Classification Criteria Version 2. Collection method: clinical testing. Allele origin: germline. Affected: yes. Observed: 4 variant alleles.
Comment: GRIN2D: BP4, BP7

Blueprint Genetics
Classification: Likely benign. Last evaluated: 2024-11-26. Review status: criteria provided, single submitter. Criteria: ACMG Guidelines, 2015. Collection method: clinical testing. Allele origin: germline.

PreventionGenetics, part of Exact Sciences
Classification: Likely benign for GRIN2D-related condition. Last evaluated: 2019-10-28. Review status: no assertion criteria provided. Collection method: clinical testing. Allele origin: germline. Not counted in ClinVar's aggregate classification.
Comment: This variant is classified as likely benign based on ACMG/AMP sequence variant interpretation guidelines (Richards et al. 2015 PMID: 25741868, with internal and published modifications).

NM_000836.4(GRIN2D):c.723G>T (p.Ala241=)

Gene: GRIN2D (glutamate ionotropic receptor NMDA type subunit 2D; plus strand). Cytogenetic location: 19q13.33.
Variant type: single nucleotide variant.
Coding change: c.723G>T on transcript NM_000836.4 (MANE Select); coding-DNA position 723, G replaced by T.
Protein change: p.Ala241=; no amino-acid change (alanine 241 retained).
Molecular consequence: synonymous variant.
Genome position (GRCh38, 1-based): chr19:48,404,991, G>T. VCF-style: chr19-48404991-G-T. GRCh37 (hg19) VCF-style: chr19-48908248-G-T.
Identifiers: ClinVar variation 789351 (VCV000789351.34), dbSNP rs77992710, ClinGen allele CA9550378.